The following is an entry in ClinVar:

NM_004343.4(CALR):c.1185GGA[1] (p.Glu396del)

Gene: CALR (calreticulin; plus strand). Cytogenetic location: 19p13.13.
Variant type: Microsatellite.
Coding change: c.1185GGA[1] on transcript NM_004343.4 (MANE Select); one copy of the 3-base unit GGA starting at c.1185; the reference has two copies in a row; one copy, 3 bases deleted; also written c.1188_1190del.
Protein change: p.Glu396del; deletes glutamic acid 396.
Genome position (GRCh38, 1-based): chr19:12,943,847-12,943,849, GGA deleted; deleting any 3 consecutive bases within chr19:12,943,842-12,943,849 gives the same sequence; the position shown is the placement nearest the transcript's 3' end. VCF-style (leftmost placement, unchanged base first): chr19-12943841-TGAG-T. GRCh37 (hg19) VCF-style: chr19-13054655-TGAG-T.
Other names: c.1188_1190del (NM_004343.4); short protein forms E396del.
Identifiers: ClinVar variation 5036702 (VCV005036702.1).

ClinVar aggregate classification (germline): Likely benign (1 of 4 stars; one submission).

Conditions:
Myeloproliferative neoplasm. Identifiers: Orphanet 98274, MedGen C1292778, MONDO:0020076.

Submission:

Dept of Medical Biology, Uskudar University
Classification: Likely benign for Myeloproliferative neoplasm. Last evaluated: 2026-09-23. Review status: criteria provided, single submitter. Criteria: Dept of Medical Biology Variant Classification. Collection method: research. Allele origin: germline. Affected: yes. Observed: 1 variant allele.
Comment: BS1_supporting: allele frequency 2.7e-04 in the South Asian population and 3.7e-05 in exomes in gnomAD v4.1. BP3: in-frame deletion of one residue in the repetitive acidic region of exon 9; no frameshift. BS1 was applied at full strength where the gnomAD v4.1 grpmax filtering allele frequency exceeds 2.5e-04 (PMID:28518168) and at supporting strength where only the unfiltered population frequency does. Classified as likely benign under the ACMG/AMP 2015 guidelines (PMID:25741868). Detected in a retrospective series of 256 BCR::ABL1-negative and JAK2 V617F-negative patients referred for molecular investigation of a suspected myeloproliferative neoplasm (May 2007 to January 2015) and re-interpreted under the ACMG/AMP 2015 criteria.